The following is an entry in ClinVar:

ClinVar aggregate classification (germline): Uncertain significance (1 of 4 stars; one submission).

gnomAD v4.1: 1 of 1,599,216 alleles (0.000063%); highest among the groups gnomAD compares: Admixed American, 0.0018%; no homozygotes.

Submission:

Labcorp Genetics (formerly Invitae), Labcorp
Classification: Uncertain significance. Last evaluated: 2025-10-02. Review status: criteria provided, single submitter. Criteria: Invitae Variant Classification Sherloc (09022015). Collection method: clinical testing. Allele origin: germline.
Comment: This sequence change replaces arginine, which is basic and polar, with glycine, which is neutral and non-polar, at codon 621 of the GRIN2D protein (p.Arg621Gly). This variant is present in population databases (rs766471644, gnomAD 0.007%). This variant has not been reported in the literature in individuals affected with GRIN2D-related conditions. ClinVar contains an entry for this variant (Variation ID: 1918934). An algorithm developed to predict the effect of missense changes on protein structure and function (PolyPhen-2) suggests that this variant is likely to be disruptive. In summary, the available evidence is currently insufficient to determine the role of this variant in disease. Therefore, it has been classified as a Variant of Uncertain Significance.

NM_000836.4(GRIN2D):c.1861C>G (p.Arg621Gly)

Gene: GRIN2D (glutamate ionotropic receptor NMDA type subunit 2D; plus strand). Cytogenetic location: 19q13.33.
Variant type: single nucleotide variant.
Coding change: c.1861C>G on transcript NM_000836.4 (MANE Select); coding-DNA position 1861, C replaced by G.
Protein change: p.Arg621Gly; replaces arginine 621 with glycine.
Molecular consequence: missense variant.
Genome position (GRCh38, 1-based): chr19:48,419,359, C>G. VCF-style: chr19-48419359-C-G. GRCh37 (hg19) VCF-style: chr19-48922616-C-G.
Other names: short protein forms R621G.
Identifiers: ClinVar variation 1918934 (VCV001918934.5), dbSNP rs766471644, ClinGen allele CA9550601.